The following is an entry in ClinVar:

NM_001378454.1(ALMS1):c.3658C>A (p.Pro1220Thr)

Gene: ALMS1 (ALMS1 centrosome and basal body associated protein; plus strand). Cytogenetic location: 2p13.1.
Variant type: single nucleotide variant.
Coding change: c.3658C>A on transcript NM_001378454.1 (MANE Select); coding-DNA position 3658, C replaced by A.
Protein change: p.Pro1220Thr; replaces proline 1220 with threonine.
Molecular consequence: missense variant.
Genome position (GRCh38, 1-based): chr2:73,450,185, C>A. VCF-style: chr2-73450185-C-A. GRCh37 (hg19) VCF-style: chr2-73677312-C-A.
Other names: c.3661C>A, p.Pro1221Thr (NM_015120.4); short protein forms P1220T, P1221T.
Identifiers: ClinVar variation 3354797 (VCV003354797.1).

ClinVar aggregate classification (germline): Uncertain significance (0 of 4 stars; one submission).

Conditions:
ALMS1-related disorder. Also called: ALMS1-related condition.

Submission:

PreventionGenetics, part of Exact Sciences
Classification: Uncertain significance for ALMS1-related condition. Last evaluated: 2024-05-31. Review status: no assertion criteria provided. Collection method: clinical testing. Allele origin: germline.
Comment: The ALMS1 c.3661C>A variant is predicted to result in the amino acid substitution p.Leu1221Ile. To our knowledge, this variant has not been reported in the literature or in a large population database, indicating this variant is rare. At this time, the clinical significance of this variant is uncertain due to the absence of conclusive functional and genetic evidence.